The following is an entry in ClinVar:

ClinVar aggregate classification (germline): Pathogenic (1 of 4 stars; one submission).

Conditions:
Charcot-Marie-Tooth disease axonal type 2S. Also called: CHARCOT-MARIE-TOOTH DISEASE, AXONAL, AUTOSOMAL RECESSIVE, TYPE 2S; CHARCOT-MARIE-TOOTH NEUROPATHY, TYPE 2S. Identifiers: Orphanet 443073, MedGen C4015349, MONDO:0014511, OMIM 616155.

gnomAD v4.1: 3 of 1,613,952 alleles (0.00019%); highest among the groups gnomAD compares: Non-Finnish European, 0.00025%; no homozygotes.

Submission:

Imagene.me medical diagnostic laboratory, IMAGENE.ME SA
Classification: Pathogenic for Charcot-Marie-Tooth disease axonal type 2S. Review status: criteria provided, single submitter. Criteria: IMAGENE.ME Variant Classification SOP 2022. Collection method: clinical testing. Allele origin: germline. Affected: yes.
Comment: Classified according to the IMAGENE.ME variant classification SOP based on the ACMG guidelines as Pathogenic (P): PVS1 + PM2 + PM3 + PP4

NM_002180.3(IGHMBP2):c.298C>T (p.Gln100Ter)

Gene: IGHMBP2 (immunoglobulin mu DNA binding protein 2; plus strand). Cytogenetic location: 11q13.3.
Variant type: single nucleotide variant.
Coding change: c.298C>T on transcript NM_002180.3 (MANE Select); coding-DNA position 298, C replaced by T.
Protein change: p.Gln100Ter; replaces glutamine 100 with a stop codon.
Molecular consequence: nonsense.
Genome position (GRCh38, 1-based): chr11:68,908,186, C>T. VCF-style: chr11-68908186-C-T. GRCh37 (hg19) VCF-style: chr11-68675654-C-T.
Other names: short protein forms Q100*.
Identifiers: ClinVar variation 4685496 (VCV004685496.1).
Genomic context (GRCh38, chr11:68,908,186, plus strand): 5'-TGAGTCTTTGTTTTTGCAGGTGATATCGTGGGCCTGTACGATGCTGCTAATGAGGGCAGT[C>T]AGCTGGCCACTGGGATCTTGACCCGGGTCACCCAGAAGTCGGTCACGGTGGCCTTTGATG-3'